The following is an entry in ClinVar:

ClinVar aggregate classification (germline): Likely pathogenic (1 of 4 stars; one submission).

Conditions:
Curry-Hall syndrome (WAD). Also called: WEYERS ACRODENTAL DYSOSTOSIS. Identifiers: Orphanet 952, MedGen C0457013, MONDO:0008673, OMIM 193530.
Ellis-van Creveld syndrome (EVC). Also called: EVC-Related Ellis-van Creveld Syndrome; EVC2-Related Ellis-van Creveld Syndrome; MESOECTODERMAL DYSPLASIA; Chondroectodermal dysplasia. Identifiers: Orphanet 289, MedGen C0013903, MONDO:0009162, OMIM 225500.

Allele frequency attached by ClinVar (database versions not stated): gnomAD exomes below 0.00001.
gnomAD v4.1: 1 of 1,614,150 alleles (0.000062%); highest among the groups gnomAD compares: Non-Finnish European, 0.000085%; no homozygotes.

Submission:

Labcorp Genetics (formerly Invitae), Labcorp
Classification: Likely pathogenic for Curry-Hall syndrome; Ellis-van Creveld syndrome. Last evaluated: 2023-05-28. Review status: criteria provided, single submitter. Criteria: Invitae Variant Classification Sherloc (09022015). Collection method: clinical testing. Allele origin: germline.
Comment: In summary, the currently available evidence indicates that the variant is pathogenic, but additional data are needed to prove that conclusively. Therefore, this variant has been classified as Likely Pathogenic. Algorithms developed to predict the effect of sequence changes on RNA splicing suggest that this variant may disrupt the consensus splice site. This variant has not been reported in the literature in individuals affected with EVC2-related conditions. This variant is not present in population databases (gnomAD no frequency). This sequence change affects a donor splice site in intron 8 of the EVC2 gene. It is expected to disrupt RNA splicing. Variants that disrupt the donor or acceptor splice site typically lead to a loss of protein function (PMID: 16199547), and loss-of-function variants in EVC2 are known to be pathogenic (PMID: 17024374, 19810119, 19876929).

Literature cited by the submitters: PubMed 16199547; PubMed 17024374; PubMed 19810119; PubMed 19876929.

NM_147127.5(EVC2):c.1005+1G>A

Genes: EVC2 (EvC ciliary complex subunit 2; minus strand), LOC126806962 (BRD4-independent group 4 enhancer GRCh37_chr4:5666069-5667268; plus strand). Cytogenetic location: 4p16.2.
Variant type: single nucleotide variant.
Coding change: c.1005+1G>A on transcript NM_147127.5 (MANE Select); the canonical splice donor site of the intron after coding-DNA position 1005, G replaced by A.
Molecular consequence: splice donor variant.
Genome position (GRCh38, 1-based): chr4:5,665,514, C>T on the plus strand (G>A on the coding strand, the complement: EVC2 is on the minus strand). VCF-style: chr4-5665514-C-T. GRCh37 (hg19) VCF-style: chr4-5667241-C-T.
Other names: c.765+1G>A (NM_001166136.2).
Identifiers: ClinVar variation 2948331 (VCV002948331.3), dbSNP rs2475514671, ClinGen allele CA356142756.